The following is an entry in ClinVar:

NM_001286.5(CLCN6):c.775G>A (p.Gly259Arg)

Gene: CLCN6 (Cl-/H+ antiporter 6; plus strand). Cytogenetic location: 1p36.22.
Variant type: single nucleotide variant.
Coding change: c.775G>A on transcript NM_001286.5 (MANE Select); coding-DNA position 775, G replaced by A.
Protein change: p.Gly259Arg; replaces glycine 259 with arginine.
Molecular consequence: missense variant. On other transcripts: non-coding transcript variant (1).
Genome position (GRCh38, 1-based): chr1:11,827,156, G>A. VCF-style: chr1-11827156-G-A. GRCh37 (hg19) VCF-style: chr1-11887213-G-A.
Other names: c.709G>A, p.Gly237Arg (NM_001256959.2); short protein forms G237R, G259R.
Identifiers: ClinVar variation 3026196 (VCV003026196.22), dbSNP rs2523121483, ClinGen allele CA338428785.

ClinVar aggregate classification (germline): Uncertain significance (1 of 4 stars; one submission).

Allele frequency attached by ClinVar (database versions not stated): gnomAD exomes below 0.00001.
gnomAD v4.1: 1 of 1,613,928 alleles (0.000062%); highest among the groups gnomAD compares: Non-Finnish European, 0.000085%; no homozygotes.

Submission:

CeGaT Center for Human Genetics Tuebingen
Classification: Uncertain significance. Last evaluated: 2024-02-01. Review status: criteria provided, single submitter. Criteria: CeGaT Center For Human Genetics Tuebingen Variant Classification Criteria Version 2. Collection method: clinical testing. Allele origin: germline. Affected: yes. Observed: 1 variant allele.
Comment: CLCN6: PM2